The following is an entry in ClinVar:

ClinVar aggregate classification (germline): Benign/Likely benign. Review status: criteria provided, multiple submitters, no conflicts (2 of 4 stars). 6 submissions from 6 submitters: Benign (2); Likely benign (2). 2 of the submissions do not count toward it. Last evaluated 2024-10-18.

Conditions:
Inborn genetic diseases. Identifiers: MedGen C0950123, MeSH D030342.

Allele frequency attached by ClinVar (database versions not stated): 1000 Genomes Project 0.00053; 1000 Genomes Project 30x 0.00083; ExAC 0.00093; gnomAD exomes 0.00100 and 0.00185; TOPMed 0.00108; gnomAD 0.00115 and 0.00117; ESP Exome Variant Server 0.00170.
gnomAD v4.1: 2,135 of 1,209,663 alleles (0.18%); highest among the groups gnomAD compares: Non-Finnish European, 0.22%; 1 homozygote.

Submissions (6):

Blueprint Genetics
Classification: Likely benign. Last evaluated: 2024-10-18. Review status: criteria provided, single submitter. Criteria: ACMG Guidelines, 2015. Collection method: clinical testing. Allele origin: germline.

Mayo Clinic Laboratories, Mayo Clinic
Classification: Benign. Last evaluated: 2024-04-08. Review status: criteria provided, single submitter. Criteria: ACMG Guidelines, 2015. Collection method: clinical testing. Allele origin: germline. Observed: 7 variant alleles.
Comment: BS1, BS2, BP4, BP7

Ambry Genetics
Classification: Likely benign for Inborn genetic diseases. Last evaluated: 2016-03-16. Review status: criteria provided, single submitter. Criteria: Ambry Variant Classification Scheme 2023. Collection method: clinical testing. Allele origin: germline.

Eurofins Ntd Llc (ga)
Classification: Benign. Last evaluated: 2012-10-11. Review status: criteria provided, single submitter. Criteria: EGL Classification Definitions 2015. Collection method: clinical testing. Allele origin: germline. Observed: 1 variant allele, 1 homozygote.

Clinical Genetics DNA and cytogenetics Diagnostics Lab, Erasmus MC, Erasmus Medical Center
Classification: Likely benign. Review status: no assertion criteria provided. Collection method: clinical testing. Allele origin: germline. Affected: yes. Study: VKGL Data-share Consensus. Not counted in ClinVar's aggregate classification.

Laboratory of Diagnostic Genome Analysis, Leiden University Medical Center (LUMC)
Classification: Likely benign. Review status: no assertion criteria provided. Collection method: clinical testing. Allele origin: germline. Affected: yes. Study: VKGL Data-share Consensus. Not counted in ClinVar's aggregate classification.

NM_002024.6(FMR1):c.1857C>T (p.Asp619=)

Gene: FMR1 (fragile X messenger ribonucleoprotein 1; plus strand). Cytogenetic location: Xq27.3.
Variant type: single nucleotide variant.
Coding change: c.1857C>T on transcript NM_002024.6 (MANE Select); coding-DNA position 1857, C replaced by T.
Protein change: p.Asp619=; no amino-acid change (aspartic acid 619 retained).
Molecular consequence: synonymous variant. On other transcripts: missense variant (2), non-coding transcript variant (2).
Genome position (GRCh38, 1-based): chrX:147,948,802, C>T. VCF-style: chrX-147948802-C-T. GRCh37 (hg19) VCF-style: chrX-147030322-C-T.
Other names: p.Asp619=; c.1586C>T, p.Thr529Ile (NM_001185075.2); c.1794C>T, p.Asp598= (NM_001185076.2); c.1523C>T, p.Thr508Ile (NM_001185081.2); c.1719C>T, p.Asp573= (NM_001185082.2); short protein forms T529I, T508I.
Identifiers: ClinVar variation 94021 (VCV000094021.13), dbSNP rs45540244, ClinGen allele CA147541.
Genomic context (GRCh38, chrX:147,948,802, plus strand): 5'-CAGTGAAGGTAGTCGGCTGCGCACGGGTAAAGATCGTAACCAGAAGAAAGAGAAGCCAGA[C>T]AGCGTGGATGGTCAGCAACCACTCGTGAATGGAGTACCCTAAACTGCATAATTCTGAAGT-3'
Protein context (NP_002015.1, residues 609-629): KDRNQKKEKP[Asp619=]SVDGQQPLVN